The following is an entry in ClinVar:

NM_015046.7(SETX):c.5495A>C (p.Asp1832Ala)

Gene: SETX (senataxin; minus strand). Cytogenetic location: 9q34.13.
Variant type: single nucleotide variant.
Coding change: c.5495A>C on transcript NM_015046.7 (MANE Select); coding-DNA position 5495, A replaced by C.
Protein change: p.Asp1832Ala; replaces aspartic acid 1832 with alanine.
Molecular consequence: missense variant.
Genome position (GRCh38, 1-based): chr9:132,300,683, T>G on the plus strand (A>C on the coding strand, the complement: SETX is on the minus strand). VCF-style: chr9-132300683-T-G. GRCh37 (hg19) VCF-style: chr9-135176070-T-G.
Other names: c.5495A>C, p.Asp1832Ala (NM_001351527.2, NM_001351528.2); short protein forms D1832A.
Identifiers: ClinVar variation 1747871 (VCV001747871.2), dbSNP rs1335343211, ClinGen allele CA375347905.
Genomic context (GRCh38, chr9:132,300,683, plus strand): 5'-TACTTACTGACTGACGTGCGGCGAAATTTATGAACATAACCAGAATGATATTCGTGGAGA[T>G]CTTGTATGTCATTTCTCTCTGTATCTTTCTTCTCTTCATTTATTCTCTCAGGAGCTAAAA-3'
Protein context (NP_055861.3, residues 1822-1842): KKDTERNDIQ[Asp1832Ala]LHEYHSGYVH

ClinVar aggregate classification (germline): Uncertain significance (1 of 4 stars; one submission).

Conditions:
Inborn genetic diseases. Identifiers: MedGen C0950123, MeSH D030342.

Submission:

Ambry Genetics
Classification: Uncertain significance for Inborn genetic diseases. Last evaluated: 2019-12-06. Review status: criteria provided, single submitter. Criteria: Ambry Variant Classification Scheme 2023. Collection method: clinical testing. Allele origin: germline.
Comment: The p.D1832A variant (also known as c.5495A>C), located in coding exon 10 of the SETX gene, results from an A to C substitution at nucleotide position 5495. The aspartic acid at codon 1832 is replaced by alanine, an amino acid with dissimilar properties. This amino acid position is not well conserved in available vertebrate species. In addition, this alteration is predicted to be tolerated by in silico analysis. Since supporting evidence is limited at this time, the clinical significance of this alteration remains unclear.